The following is an entry in ClinVar:

NM_020066.5(FMN2):c.2808T>C (p.Pro936=)

Gene: FMN2 (formin 2; plus strand). Cytogenetic location: 1q43.
Variant type: single nucleotide variant.
Coding change: c.2808T>C on transcript NM_020066.5 (MANE Select); coding-DNA position 2808, T replaced by C.
Protein change: p.Pro936=; no amino-acid change (proline 936 retained).
Molecular consequence: synonymous variant. On other transcripts: intron variant (1).
Genome position (GRCh38, 1-based): chr1:240,207,620, T>C. VCF-style: chr1-240207620-T-C. GRCh37 (hg19) VCF-style: chr1-240370920-T-C.
Other names: c.2820T>C, p.Pro940= (NM_001305424.2); c.1986+19358T>C (NM_001348094.2).
Identifiers: ClinVar variation 4681855 (VCV004681855.5).

ClinVar aggregate classification (germline): Likely benign (1 of 4 stars; one submission).

Submission:

CeGaT Center for Human Genetics Tuebingen
Classification: Likely benign. Last evaluated: 2025-12-01. Review status: criteria provided, single submitter. Criteria: CeGaT Center For Human Genetics Tuebingen Variant Classification Criteria Version 2. Collection method: clinical testing. Allele origin: germline. Affected: yes. Observed: 1 variant allele.
Comment: FMN2: PM2:Supporting, BP4, BP7